The following is an entry in ClinVar:

ClinVar aggregate classification (germline): Uncertain significance. Review status: criteria provided, multiple submitters, no conflicts (2 of 4 stars). 2 submissions from 2 submitters: Uncertain significance (2). Last evaluated 2023-05-04.

Conditions:
Inborn genetic diseases. Identifiers: MedGen C0950123, MeSH D030342.

Allele frequency attached by ClinVar (database versions not stated): TOPMed below 0.00001; gnomAD 0.00001; ExAC 0.00002; gnomAD exomes 0.00013; 1000 Genomes Project 30x 0.00016; 1000 Genomes Project 0.00020.
gnomAD v4.1: 182 of 1,604,064 alleles (0.011%); highest among the groups gnomAD compares: Non-Finnish European, 0.015%; 1 homozygote.

Submissions (2):

Ambry Genetics
Classification: Uncertain significance for Inborn genetic diseases. Last evaluated: 2023-05-04. Review status: criteria provided, single submitter. Criteria: Ambry Variant Classification Scheme 2023. Collection method: clinical testing. Allele origin: germline.

Labcorp Genetics (formerly Invitae), Labcorp
Classification: Uncertain significance. Last evaluated: 2021-12-23. Review status: criteria provided, single submitter. Criteria: Invitae Variant Classification Sherloc (09022015). Collection method: clinical testing. Allele origin: germline.
Comment: This sequence change replaces tyrosine, which is neutral and polar, with cysteine, which is neutral and slightly polar, at codon 401 of the ITGA6 protein (p.Tyr401Cys). This variant is present in population databases (rs200217971, gnomAD 0.006%). This variant has not been reported in the literature in individuals affected with ITGA6-related conditions. Algorithms developed to predict the effect of missense changes on protein structure and function are either unavailable or do not agree on the potential impact of this missense change (SIFT: "Deleterious"; PolyPhen-2: "Possibly Damaging"; Align-GVGD: "Class C15"). In summary, the available evidence is currently insufficient to determine the role of this variant in disease. Therefore, it has been classified as a Variant of Uncertain Significance.

NM_000210.4(ITGA6):c.1202A>G (p.Tyr401Cys)

Genes: ITGA6 (integrin subunit alpha 6; plus strand), PDK1-AS1 (PDK1 and ITGA6 antisense RNA 1; minus strand). Cytogenetic location: 2q31.1.
Variant type: single nucleotide variant.
Coding change: c.1202A>G on transcript NM_000210.4 (MANE Select); coding-DNA position 1202, A replaced by G.
Protein change: p.Tyr401Cys; replaces tyrosine 401 with cysteine.
Molecular consequence: missense variant.
Genome position (GRCh38, 1-based): chr2:172,475,618, A>G. VCF-style: chr2-172475618-A-G. GRCh37 (hg19) VCF-style: chr2-173340346-A-G.
Other names: c.1202A>G (NM_000210.2); c.1202A>G, p.Tyr401Cys (NM_001079818.3, NM_001365529.2, NM_001365530.2); c.845A>G, p.Tyr282Cys (NM_001316306.2); c.1319A>G, p.Tyr440Cys (NM_001394928.1); short protein forms Y401C, Y282C, Y440C.
Identifiers: ClinVar variation 1909845 (VCV001909845.4), dbSNP rs200217971, ClinGen allele CA1968060.
Genomic context (GRCh38, chr2:172,475,618, plus strand): 5'-AGCGTTTGTTAAAATGTTAAAATGTGATGTTGTCAACAGATATTGCAGTTGGAGCTCCGT[A>G]TGATGACTTGGGAAAGGTTTTTATCTATCATGGATCTGCAAATGGAATAAATACCAAACC-3'
Protein context (NP_000201.2, residues 391-411): GYPDIAVGAP[Tyr401Cys]DDLGKVFIYH